The following continues an entry in ClinVar:

NM_007194.4(CHEK2):c.1180G>A (p.Glu394Lys)

Gene: CHEK2. ClinVar aggregate classification (germline): Conflicting classifications of pathogenicity. Likely pathogenic (2); Uncertain significance (12).

Submissions 11 to 15 of 15:

KCCC/NGS Laboratory, Kuwait Cancer Control Center
Classification: Uncertain significance for Familial cancer of breast. Last evaluated: 2023-05-31. Review status: criteria provided, single submitter. Criteria: ACMG Guidelines, 2015. Collection method: clinical testing. Allele origin: unknown. Inheritance: Autosomal dominant inheritance. Affected: yes. Observed: 1 heterozygote.
Comment: a variant of uncertain significance in the CHEK2 gene. This sequence change replaces glutamic acid, which is acidic and polar, with lysine, which is basic and polar, at codon 394 of the CHEK2 protein (p.Glu394Lys). This variant is present in population databases (rs587780169, gnomAD 0.02%). This missense change has been observed in individual(s) with breast cancer (PMID: 30303537, 31050813, 31784482). ClinVar contains an entry for this variant (Variation ID: 128048).this alteration is predicted to be pathogenic computational verdict based on 20 pathogenic predictions from BayesDel_addAF, DANN, DEOGEN2, EIGEN, FATHMM-MKL, LIST-S2, M-CAP, MVP, MutationAssessor, MutationTaster, REVEL , SIFT , CADD, MutPred , LRT , SIFT4G , REVEL , MetaRNN and Polyphen2 vs non benign prediction. Experimental studies have shown that this missense change affects CHEK2 function (PMID: 30851065, 31409080). In summary, the available evidence is currently insufficient to determine the role of this variant in disease. Therefore, it has been classified as a Variant of Uncertain Significance. pathogenic/likely pathogenic variants in the CHEK2 gene cause autosomal dominant susceptibility to breast cancer (OMIM 114480).

Women's Health and Genetics/Laboratory Corporation of America, LabCorp
Classification: Uncertain significance. Last evaluated: 2023-03-21. Review status: criteria provided, single submitter. Criteria: LabCorp Variant Classification Summary - May 2015. Collection method: clinical testing. Allele origin: germline.
Comment: Variant summary: CHEK2 c.1180G>A (p.Glu394Lys) results in a conservative amino acid change located in the Protein kinase domain (IPR000719) of the encoded protein sequence. Four of five in-silico tools predict a damaging effect of the variant on protein function. The variant allele was found at a frequency of 2e-05 in 251066 control chromosomes. c.1180G>A has been reported in the literature as a VUS in settings of multigene panel testing and in case control studies of individuals affected with breast cancer (example, Doddato_2021, Girard_2019, Bora_2022, Kleibova_2019). These data do not allow any conclusion about variant significance. At least one publication reports experimental evidence evaluating an impact on protein function. The most pronounced variant effect results in in-vivo characterization as damaging in a yeast functional assay evaluating ability to repair methylmethanesulfonate (MMS) induced DNA damage (example, Delimitsou_2019). Five clinical diagnostic laboratories have submitted clinical-significance assessments for this variant to ClinVar after 2014 without evidence for independent evaluation. All laboratories classified the variant as uncertain significance. Based on the evidence outlined above, the variant was classified as VUS-possibly pathogenic.

Sema4
Classification: Uncertain significance for Hereditary cancer-predisposing syndrome. Last evaluated: 2021-10-14. Review status: criteria provided, single submitter. Criteria: Sema4 Curation Guidelines. Collection method: curation. Allele origin: germline.
Comment: The CHEK2 c.1180G>A (p.E394K) variant has been reported in multiple individuals with breast cancer (PMID: 30303537, 31050813, 31784482, 31409080). Additionally, a large case-control study reported the variant in 2/60466 breast cancer cases and 1/53461 controls (PMID: 33471991). It was observed in 2/10076 chromosomes of the Ashkenazi Jewish subpopulation in the large and broad cohorts of the Genome Aggregation Database (PMID: 32461654). The variant has been reported in ClinVar (Variation ID 128048). In silico tools suggest the impact of the variant on protein function is deleterious. Functional studies showed that the variant impairs CHEK2 kinase activity and renders yeast cells to be sensitive to DNA damage (PMID: 30851065, 31050813). The evidence is insufficient to meet ACMG/AMP criteria for classifying the variant as benign or pathogenic. Thus, the clinical significance of this variant is currently uncertain.

GeneDx
Classification: Uncertain significance. Last evaluated: 2021-05-24. Review status: criteria provided, single submitter. Criteria: GeneDx Variant Classification Process June 2021. Collection method: clinical testing. Allele origin: germline. Affected: yes.
Comment: Not observed at a significant frequency in large population cohorts (Lek 2016); In silico analysis, which includes protein predictors and evolutionary conservation, supports a deleterious effect; Published functional studies demonstrate damaging effects: Reduced kinase activity and DNA damage response (Delimitsou 2019, Kleiblova 2019); Observed in an individual with breast cancer (Kleiblova 2019); This variant is associated with the following publications: (PMID: 18571837, 24573554, 22578220, 23856246, 21765476, 30851065, 31050813, 30303537, 31398194)

Department of Pathology and Laboratory Medicine, Sinai Health System
Classification: Uncertain significance for Malignant tumor of breast. Review status: no assertion criteria provided. Collection method: clinical testing. Allele origin: unknown. Affected: yes. Study: The Canadian Open Genetics Repository (COGR). Not counted in ClinVar's aggregate classification.
Comment: The CHEK2 p.Glu394Lys variant was not identified in the literature nor was it identified in the MutDB, or Zhejiang Colon Cancer Database. The variant was also identified in the following databases: dbSNP (ID: rs587780169) â€šÃ„ÃºWith Uncertain significance alleleâ€šÃ„Ã¹, ClinVar (classified uncertain significance by GeneDx, Ambry Genetics and Invitae), Clinvitae (3x), Cosmic (2x in a malignant melanoma and lymphoid neoplasm), and in control databases in 5 of 245908 chromosomes at a frequency of 0.00002 (Genome Aggregation Database Feb 27, 2017). Observations by population include European Non-Finnish in 3 of 111386 chromosomes (freq: 0.00003), and Ashkenazi Jewish in 2 of 9846 chromosomes (freq: 0.0002); it was not observed in the African, â€šÃ„ÃºOtherâ€šÃ„Ã¹, Latino, East Asian, European Finnish, and South Asian populations. The p.Glu394 residue is conserved across mammals and other organisms, and four out of five computational analyses (PolyPhen-2, SIFT, AlignGVGD, BLOSUM, MutationTaster) suggest that the Lys variant may impact the protein; however, this information is not predictive enough to assume pathogenicity. The variant occurs outside of the splicing consensus sequence and in silico or computational prediction software programs (SpliceSiteFinder, MaxEntScan, NNSPLICE, GeneSplicer, HumanSpliceFinder) do not predict a difference in splicing. In summary, based on the above information the clinical significance of this variant cannot be determined with certainty at this time. This variant is classified as a variant of uncertain significance.

Literature cited by the submitters: PubMed 30303537 (cited by 3 submitters); PubMed 31050813 (cited by 5 submitters); PubMed 31784482 (cited by Labcorp Genetics (formerly Invitae), Labcorp and Sema4); PubMed 35220195 (cited by Labcorp Genetics (formerly Invitae), Labcorp and Women's Health and Genetics/Laboratory Corporation of America, LabCorp); PubMed 37449874 (cited by Labcorp Genetics (formerly Invitae), Labcorp and Ambry Genetics); PubMed 37842866 (cited by Labcorp Genetics (formerly Invitae), Labcorp and Color Diagnostics, LLC DBA Color Health); PubMed 30851065 (cited by 5 submitters); PubMed 31409080 (cited by Labcorp Genetics (formerly Invitae), Labcorp and Sema4); PubMed 33606978 (cited by Ambry Genetics and Color Diagnostics, LLC DBA Color Health); PubMed 33471991 (cited by Color Diagnostics, LLC DBA Color Health and Sema4); PubMed 34026625 (cited by Color Diagnostics, LLC DBA Color Health and Women's Health and Genetics/Laboratory Corporation of America, LabCorp).